The following is an entry in ClinVar:

ClinVar aggregate classification (germline): Conflicting classifications of pathogenicity. Review status: criteria provided, conflicting classifications (1 of 4 stars). 3 submissions from 3 submitters: Uncertain significance (2); Likely benign (1). Last evaluated 2023-03-23.

Conditions:
Hereditary cancer-predisposing syndrome. Also called: Hereditary neoplastic syndrome; Neoplastic Syndromes, Hereditary; Tumor predisposition; Hereditary Cancer Syndrome. Identifiers: Orphanet 140162, MedGen C0027672, MeSH D009386, MONDO:0015356.
Hereditary breast ovarian cancer syndrome. Also called: Hereditary breast and ovarian cancer syndrome (HBOC); BRCA1- and BRCA2-Associated Hereditary Breast and Ovarian Cancer; Hereditary breast and ovarian cancer syndrome; Breast and ovarian cancer; Hereditary breast and ovarian cancer; Hereditary breast and/or ovarian cancer syndrome. Identifiers: Orphanet 145, MedGen C0677776, MeSH D061325, MONDO:0003582. Disease mechanism: loss of function.

Allele frequency attached by ClinVar (database versions not stated): gnomAD exomes below 0.00001.
gnomAD v4.1: 2 of 1,614,000 alleles (0.00012%); highest among the groups gnomAD compares: Non-Finnish European, 0.00017%; no homozygotes.

Submissions (3):

University of Washington Department of Laboratory Medicine, University of Washington
Classification: Likely benign for Hereditary cancer-predisposing syndrome. Last evaluated: 2023-03-23. Review status: criteria provided, single submitter. Criteria: Dines et al. (Genet Med. 2020). Collection method: curation. Allele origin: germline.
Comment: Missense variant in a coldspot region where missense variants are very unlikely to be pathogenic (PMID:31911673).

BRCA1 coldspot (exon 11 using historical exon numbering). Reclassification based on statistical prior probability

Sema4
Classification: Uncertain significance for Hereditary cancer-predisposing syndrome. Last evaluated: 2021-11-10. Review status: criteria provided, single submitter. Criteria: Sema4 Curation Guidelines. Collection method: curation. Allele origin: germline.
Comment: To the best of our knowledge, the BRCA1 c.2941C>A (p.P981T) variant has not been reported in individuals with BRCA1-related disease. It was not observed in the large and broad cohorts of the Genome Aggregation Database. The variant has been reported in ClinVar (Variation ID 531238). Functional studies have not been performed, and in silico predictions of the variant's effect on protein function are inconclusive. The evidence is insufficient to meet ACMG/AMP criteria for classifying the variant as benign or pathogenic. Thus, the clinical significance of this variant is currently uncertain.

Labcorp Genetics (formerly Invitae), Labcorp
Classification: Uncertain significance for Hereditary breast ovarian cancer syndrome. Last evaluated: 2021-06-11. Review status: criteria provided, single submitter. Criteria: Invitae Variant Classification Sherloc (09022015). Collection method: clinical testing. Allele origin: germline.
Comment: In summary, the available evidence is currently insufficient to determine the role of this variant in disease. Therefore, it has been classified as a Variant of Uncertain Significance. Advanced modeling of protein sequence and biophysical properties (such as structural, functional, and spatial information, amino acid conservation, physicochemical variation, residue mobility, and thermodynamic stability) performed at Invitae indicates that this missense variant is not expected to disrupt BRCA1 protein function. This variant has not been reported in the literature in individuals with BRCA1-related conditions. ClinVar contains an entry for this variant (Variation ID: 531238). This variant is not present in population databases (ExAC no frequency). This sequence change replaces proline with threonine at codon 981 of the BRCA1 protein (p.Pro981Thr). The proline residue is moderately conserved and there is a small physicochemical difference between proline and threonine.

NM_007294.4(BRCA1):c.2941C>A (p.Pro981Thr)

Gene: BRCA1 (BRCA1 DNA repair associated; minus strand). Cytogenetic location: 17q21.31.
Variant type: single nucleotide variant.
Coding change: c.2941C>A on transcript NM_007294.4 (MANE Select); coding-DNA position 2941, C replaced by A.
Protein change: p.Pro981Thr; replaces proline 981 with threonine.
Molecular consequence: missense variant. On other transcripts: intron variant (137).
Genome position (GRCh38, 1-based): chr17:43,092,590, G>T on the plus strand (C>A on the coding strand, the complement: BRCA1 is on the minus strand). VCF-style: chr17-43092590-G-T. GRCh37 (hg19) VCF-style: chr17-41244607-G-T.
Other names: c.788-1558C>A (NM_001407982.1, NM_001407970.1, NM_001407980.1 and 17 more transcripts); c.2797C>A, p.Pro933Thr (NM_001407749.1, NM_001407838.1, NM_001407839.1 and 20 more transcripts); c.2800C>A, p.Pro934Thr (NM_001407750.1, NM_001407751.1, NM_001407752.1 and 29 more transcripts); c.2557C>A, p.Pro853Thr (NM_001407962.1); c.2560C>A, p.Pro854Thr (NM_001407963.1, NM_001407959.1, NM_001407960.1); c.2437C>A, p.Pro813Thr (NM_001407965.1); c.2053C>A, p.Pro685Thr (NM_001407966.1, NM_001407967.1); c.2941C>A, p.Pro981Thr (NM_007300.4, NM_001407581.1, NM_001407582.1 and 30 more transcripts); and 41 more; short protein forms P981T, P934T, P813T, P853T, P870T, P910T, P914T, P954T.
Identifiers: ClinVar variation 531238 (VCV000531238.13), dbSNP rs1555588677, ClinGen allele CA10596116.